The following is an entry in ClinVar:

ClinVar aggregate classification (germline): Likely pathogenic (1 of 4 stars; one submission).

Conditions:
Hyperlipoproteinemia, type I. Also called: Hyperlipoproteinemia type 1; Hyperchylomicro-nemia familial; Familial chylomicronemia; Hyperlipemia idiopathic Burger-Grutz type; Familial hyperlipo-proteinemia type 1; Hyperlipemia essential familial. Identifiers: Orphanet 309015, Orphanet 444490, MedGen C0023817, MONDO:0009387, OMIM 238600. Disease mechanism: loss of function.

Submission:

Natera, Inc.
Classification: Likely pathogenic for Lipoprotein lipase deficiency. Last evaluated: 2025-01-21. Review status: criteria provided, single submitter. Criteria: Natera Variant Classification Schema (03/2026). Collection method: clinical testing. Allele origin: germline.
Comment: The c.363C>A variant in LPL is a nonsense variant predicted to introduce a stop codon at amino acid 121. This variant is expected to result in nonsense mediated decay, truncation, or a dysfunctional protein product. This variant is rare in the general population with a frequency below the threshold expected for the associated phenotype(s). Given the available evidence, this variant is classified as Likely Pathogenic.

NM_000237.3(LPL):c.363C>A (p.Tyr121Ter)

Gene: LPL (lipoprotein lipase; plus strand). Cytogenetic location: 8p21.3.
Variant type: single nucleotide variant.
Coding change: c.363C>A on transcript NM_000237.3 (MANE Select); coding-DNA position 363, C replaced by A.
Protein change: p.Tyr121Ter; replaces tyrosine 121 with a stop codon.
Molecular consequence: nonsense.
Genome position (GRCh38, 1-based): chr8:19,951,882, C>A. VCF-style: chr8-19951882-C-A. GRCh37 (hg19) VCF-style: chr8-19809393-C-A.
Other names: short protein forms Y121*.
Identifiers: ClinVar variation 4070186 (VCV004070186.2).